The following is an entry in ClinVar:

ClinVar aggregate classification (germline): Uncertain significance. Review status: criteria provided, single submitter (1 of 4 stars). 2 submissions from 2 submitters: Uncertain significance (1). 1 of the submissions does not count toward it. Last evaluated 2022-07-06.

Conditions:
Neuronal ceroid lipofuscinosis 2. Also called: TPP1-Related Neuronal Ceroid-Lipofuscinosis; JANSKY-BIELSCHOWSKY DISEASE NEURONAL CEROID LIPOFUSCINOSIS, LATE INFANTILE. Identifiers: Orphanet 168491, Orphanet 228349, Orphanet 79264, MedGen C1876161, MONDO:0008769, OMIM 204500.

Allele frequency attached by ClinVar (database versions not stated): gnomAD exomes below 0.00001; gnomAD 0.00001; TOPMed 0.00001.
gnomAD v4.1: 5 of 1,614,026 alleles (0.00031%); highest among the groups gnomAD compares: African/African-American, 0.004%; no homozygotes.

Submissions (2):

Labcorp Genetics (formerly Invitae), Labcorp
Classification: Uncertain significance. Last evaluated: 2022-07-06. Review status: criteria provided, single submitter. Criteria: Invitae Variant Classification Sherloc (09022015). Collection method: clinical testing. Allele origin: germline.
Comment: This sequence change replaces leucine, which is neutral and non-polar, with proline, which is neutral and non-polar, at codon 198 of the TPP1 protein (p.Leu198Pro). This variant is not present in population databases (gnomAD no frequency). This variant has not been reported in the literature in individuals affected with TPP1-related conditions. ClinVar contains an entry for this variant (Variation ID: 1011442). Algorithms developed to predict the effect of missense changes on protein structure and function (SIFT, PolyPhen-2, Align-GVGD) all suggest that this variant is likely to be disruptive. In summary, the available evidence is currently insufficient to determine the role of this variant in disease. Therefore, it has been classified as a Variant of Uncertain Significance.

Natera, Inc.
Classification: Uncertain significance for Neuronal ceroid lipofuscinosis 2. Last evaluated: 2020-01-24. Review status: no assertion criteria provided. Collection method: clinical testing. Allele origin: germline. Not counted in ClinVar's aggregate classification.

NM_000391.4(TPP1):c.593T>C (p.Leu198Pro)

Gene: TPP1 (tripeptidyl peptidase 1; minus strand). Cytogenetic location: 11p15.4.
Variant type: single nucleotide variant.
Coding change: c.593T>C on transcript NM_000391.4 (MANE Select); coding-DNA position 593, T replaced by C.
Protein change: p.Leu198Pro; replaces leucine 198 with proline.
Molecular consequence: missense variant.
Genome position (GRCh38, 1-based): chr11:6,617,069, A>G on the plus strand (T>C on the coding strand, the complement: TPP1 is on the minus strand). VCF-style: chr11-6617069-A-G. GRCh37 (hg19) VCF-style: chr11-6638300-A-G.
Other names: short protein forms L198P.
Identifiers: ClinVar variation 1011442 (VCV001011442.3), dbSNP rs1481131397, ClinGen allele CA379475495.